The following is an entry in ClinVar:

NM_138694.4(PKHD1):c.4010A>G (p.Asp1337Gly)

Gene: PKHD1 (PKHD1 ciliary IPT domain containing fibrocystin/polyductin; minus strand). Cytogenetic location: 6p12.2.
Variant type: single nucleotide variant.
Coding change: c.4010A>G on transcript NM_138694.4 (MANE Select); coding-DNA position 4010, A replaced by G.
Protein change: p.Asp1337Gly; replaces aspartic acid 1337 with glycine.
Molecular consequence: missense variant.
Genome position (GRCh38, 1-based): chr6:52,025,800, T>C on the plus strand (A>G on the coding strand, the complement: PKHD1 is on the minus strand). VCF-style: chr6-52025800-T-C. GRCh37 (hg19) VCF-style: chr6-51890598-T-C.
Other names: c.4010A>G, p.Asp1337Gly (NM_170724.3); short protein forms D1337G.
Identifiers: ClinVar variation 3778558 (VCV003778558.7).

ClinVar aggregate classification (germline): Uncertain significance (1 of 4 stars; one submission).

Submission:

CeGaT Center for Human Genetics Tuebingen
Classification: Uncertain significance. Last evaluated: 2025-03-01. Review status: criteria provided, single submitter. Criteria: CeGaT Center For Human Genetics Tuebingen Variant Classification Criteria Version 2. Collection method: clinical testing. Allele origin: germline. Affected: yes. Observed: 1 variant allele.
Comment: PKHD1: PM2, BP4